The following is an entry in ClinVar:

NM_002528.7(NTHL1):c.745A>T (p.Lys249Ter)

Gene: NTHL1 (nth like DNA glycosylase 1; minus strand). Cytogenetic location: 16p13.3.
Variant type: single nucleotide variant.
Coding change: c.745A>T on transcript NM_002528.7 (MANE Select); coding-DNA position 745, A replaced by T.
Protein change: p.Lys249Ter; replaces lysine 249 with a stop codon.
Molecular consequence: nonsense.
Genome position (GRCh38, 1-based): chr16:2,040,179, T>A on the plus strand (A>T on the coding strand, the complement: NTHL1 is on the minus strand). VCF-style: chr16-2040179-T-A. GRCh37 (hg19) VCF-style: chr16-2090180-T-A.
Other names: c.574A>T, p.Lys192Ter (NM_001318193.2); c.415A>T, p.Lys139Ter (NM_001318194.2); short protein forms K139*, K192*, K249*.
Identifiers: ClinVar variation 1177373 (VCV001177373.2), dbSNP rs2150938327, ClinGen allele CA394288951.

ClinVar aggregate classification (germline): Pathogenic/Likely pathogenic. Review status: criteria provided, multiple submitters, no conflicts (2 of 4 stars). 2 submissions from 2 submitters: Pathogenic (1); Likely pathogenic (1). Last evaluated 2025-03-27.

Conditions:
Familial adenomatous polyposis 3. Also called: NTHL1-associated polyposis; NTHL1 Tumor Syndrome; NTHL1-related attenuated familial adenomatous polyposis; NTHL1-Related Adenomatous Polyposis and Colorectal Cancer. Identifiers: Orphanet 220460, Orphanet 454840, MedGen C4225157, MONDO:0014630, OMIM 616415.

Submissions (2):

Myriad Genetics, Inc.
Classification: Pathogenic for Familial adenomatous polyposis 3. Last evaluated: 2025-03-27. Review status: criteria provided, single submitter. Criteria: Myriad Autosomal Dominant, Autosomal Recessive and X-Linked Classification Criteria (2023). Collection method: clinical testing. Allele origin: unknown.
Comment: This variant is considered pathogenic. This variant creates a termination codon and is predicted to result in premature protein truncation.

MVZ Martinsried, Medicover Genetics
Classification: Likely pathogenic for Familial adenomatous polyposis 3. Last evaluated: 2021-05-03. Review status: criteria provided, single submitter. Criteria: ACGS Guidelines, 2020. Collection method: clinical testing. Allele origin: unknown. Affected: yes.